The following is an entry in ClinVar:

ClinVar aggregate classification (germline): Conflicting classifications of pathogenicity. Review status: criteria provided, conflicting classifications (1 of 4 stars). 2 submissions from 2 submitters: Likely pathogenic (1); Uncertain significance (1). Last evaluated 2026-08-06.

Conditions:
Intellectual developmental disorder with autism and macrocephaly. Also called: Autism, susceptibility to, 18; CHD8-Related Neurodevelopmental Disorder with Overgrowth. Identifiers: Orphanet 642675, MedGen C3554373, MONDO:0014017, OMIM 615032.

gnomAD v4.1: 12 of 1,613,844 alleles (0.00074%); highest among the groups gnomAD compares: African/African-American, 0.0013%; no homozygotes.

Submissions (2):

OLLIN Analises Genomicas, OLLIN
Classification: Uncertain significance for Intellectual developmental disorder with autism and macrocephaly. Last evaluated: 2026-08-06. Review status: criteria provided, single submitter. Criteria: ACMG Guidelines 2015 PMID 25741868. Collection method: clinical testing. Allele origin: germline. Inheritance: Autosomal dominant inheritance.
Comment: This missense variant, located in exon 36 (of 38), has been observed in gnomAD with an allele frequency of 0.00074%, but has not been reported in ClinVar or identified in the literature. In silico analysis predicts that this variant has a tolerated effect. This gene is constrained for missense variation. According to the currently available evidence, this variant has been classified as uncertain significance (PM2_P, PP2, BP4_M).

Revvity Omics, Revvity
Classification: Likely pathogenic for Intellectual developmental disorder with autism and macrocephaly. Last evaluated: 2024-10-18. Review status: criteria provided, single submitter. Criteria: ACMG Guidelines, 2015. Collection method: clinical testing. Allele origin: germline.

NM_001170629.2(CHD8):c.6997C>T (p.Arg2333Cys)

Genes: CHD8 (chromodomain helicase DNA binding protein 8; minus strand), LOC126861888 (CDK7 strongly-dependent group 2 enhancer GRCh37_chr14:21859227-21860426; plus strand). Cytogenetic location: 14q11.2.
Variant type: single nucleotide variant.
Coding change: c.6997C>T on transcript NM_001170629.2 (MANE Select); coding-DNA position 6997, C replaced by T.
Protein change: p.Arg2333Cys; replaces arginine 2333 with cysteine.
Molecular consequence: missense variant.
Genome position (GRCh38, 1-based): chr14:21,391,531, G>A on the plus strand (C>T on the coding strand, the complement: CHD8 is on the minus strand). VCF-style: chr14-21391531-G-A. GRCh37 (hg19) VCF-style: chr14-21859690-G-A.
Other names: c.6160C>T, p.Arg2054Cys (NM_020920.4); short protein forms R2054C, R2333C.
Identifiers: ClinVar variation 4081245 (VCV004081245.2).